The following is an entry in ClinVar:

NM_001042492.3(NF1):c.7971-321C>G

Gene: NF1 (neurofibromin 1; plus strand). Cytogenetic location: 17q11.2.
Variant type: single nucleotide variant.
Coding change: c.7971-321C>G on transcript NM_001042492.3 (MANE Select); 321 bases into the intron before coding-DNA position 7971, C replaced by G.
Molecular consequence: intron variant.
Genome position (GRCh38, 1-based): chr17:31,358,159, C>G. VCF-style: chr17-31358159-C-G. GRCh37 (hg19) VCF-style: chr17-29685177-C-G.
Other names: c.7908-321C>G (NM_000267.4).
Identifiers: ClinVar variation 958469 (VCV000958469.15), dbSNP rs2070316606, ClinGen allele CA1139665303.

ClinVar aggregate classification (germline): Pathogenic/Likely pathogenic. Review status: criteria provided, multiple submitters, no conflicts (2 of 4 stars). 8 submissions from 8 submitters: Pathogenic (3); Likely pathogenic (5). Last evaluated 2026-05-05.

Conditions:
Neurofibromatosis, type 1 (NF1). Also called: NEUROFIBROMATOSIS, TYPE I, SOMATIC; VON RECKLINGHAUSEN DISEASE; Peripheral type neurofibromatosis; Neurofibromatosis, type I. Identifiers: Orphanet 636, MedGen C0027831, MONDO:0018975, OMIM 162200. Disease mechanism: loss of function.
NF1-related disorder. Also called: NF1-related condition. Identifiers: MedGen CN379171.
Hereditary cancer-predisposing syndrome. Also called: Neoplastic Syndromes, Hereditary; Tumor predisposition; Hereditary neoplastic syndrome; Hereditary Cancer Syndrome. Identifiers: Orphanet 140162, MedGen C0027672, MeSH D009386, MONDO:0015356.
Cardiovascular phenotype. Identifiers: MedGen CN230736.
Neurofibromatosis, familial spinal (FSNF). Identifiers: Orphanet 636, MedGen C1834235, MONDO:0008078, OMIM 162210. Disease mechanism: loss of function.
Neurofibromatosis-Noonan syndrome (NFNS). Also called: NEUROFIBROMATOSIS WITH NOONAN PHENOTYPE. Identifiers: Orphanet 638, MedGen C2931482, MONDO:0011035, OMIM 601321. Disease mechanism: loss of function.
Café-au-lait macules with pulmonary stenosis (WTSN). Also called: PULMONIC STENOSIS WITH CAFE-AU-LAIT SPOTS. Identifiers: MedGen C0553586, MONDO:0008672, OMIM 193520.
Juvenile myelomonocytic leukemia (JMML). Also called: LEUKEMIA, JUVENILE MYELOMONOCYTIC, SOMATIC. Identifiers: Orphanet 86834, MedGen C0349639, MONDO:0011908, OMIM 607785, HP:0012209.

Submissions (8):

Ambry Genetics
Classification: Pathogenic for Cardiovascular phenotype; Hereditary cancer-predisposing syndrome. Last evaluated: 2026-05-05. Review status: criteria provided, single submitter. Criteria: Ambry Variant Classification Scheme 2023. Collection method: clinical testing. Allele origin: germline.
Comment: The c.7908-321C>G intronic pathogenic mutation results from a C to G substitution 321 nucleotides upstream from coding exon 54 in the NF1 gene. This nucleotide position is highly conserved in available vertebrate species. In silico splice site analysis predicts that this alteration will result in the creation or strengthening of a novel splice donor site. RNA-based analysis showed aberrant out-of-frame intronic sequence insertion, predicted to result in premature termination. (Ars E et al. J Med Genet, 2003 Jun;40:e82;Koczkowska M et al. Hum Genet, 2023 Jul;142:849-861; Pros E et al. Hum Mutat, 2008 Sep;29:E173-93). This variant was reported in individual(s) with features consistent with This variant was reported in individual(s) with features consistent with neurofibromatosis type 1 (Koczkowska M et al. Hum Genet, 2023 Jul;142:849-861; Pros E et al. Hum Mutat, 2009 Mar;30:454-62). This variant is considered to be rare based on population cohorts in the Genome Aggregation Database (gnomAD). Based on the supporting evidence, this variant is interpreted as a disease-causing mutation.

Centre of Medical Genetics, University Hospital Muenster
Classification: Pathogenic. Last evaluated: 2024-05-03. Review status: criteria provided, single submitter. Criteria: ACMG Guidelines, 2015. Collection method: clinical testing. Allele origin: unknown. Affected: yes. Observed: 1 variant allele, 1 heterozygote.
Comment: ACMG categories: PS3,PM2,PM6,PP3,PP4,PP5

Blueprint Genetics
Classification: Likely pathogenic for NF1-related disorders. Last evaluated: 2024-02-19. Review status: criteria provided, single submitter. Criteria: ACMG Guidelines, 2015. Collection method: clinical testing. Allele origin: germline. Affected: yes. Observed: 1 variant allele.

GeneDx
Classification: Likely pathogenic. Last evaluated: 2024-01-29. Review status: criteria provided, single submitter. Criteria: GeneDx Variant Classification Process June 2021. Collection method: clinical testing. Allele origin: germline. Affected: yes.
Comment: Non-canonical splice site variant demonstrated to result in loss of function (PMID: 37186028); No data available from control populations to assess the frequency of this variant; In silico analysis suggests this variant may impact gene splicing. In the absence of RNA/functional studies, the actual effect of this sequence change is unknown.; Also known as IVS45+790C>G; This variant is associated with the following publications: (PMID: 19241459, 19823873, 18546366, 12807981, 37186028, 27322474)

Labcorp Genetics (formerly Invitae), Labcorp
Classification: Pathogenic for Neurofibromatosis, type 1. Last evaluated: 2022-08-09. Review status: criteria provided, single submitter. Criteria: Invitae Variant Classification Sherloc (09022015). Collection method: clinical testing. Allele origin: germline.
Comment: For these reasons, this variant has been classified as Pathogenic. Studies have shown that this variant results in inclusion of a cryptic exon and introduces a premature termination codon (PMID: 12807981, 18546366, 19241459). The resulting mRNA is expected to undergo nonsense-mediated decay. ClinVar contains an entry for this variant (Variation ID: 958469). This variant has been observed in individuals with neurofibromatosis type 1 (PMID: 12807981, 18546366; Invitae). This variant is not present in population databases (gnomAD no frequency). This sequence change falls in intron 53 of the NF1 gene. It does not directly change the encoded amino acid sequence of the NF1 protein. RNA analysis indicates that this variant induces altered splicing and may result in an absent or disrupted protein product.

Fulgent Genetics
Classification: Likely pathogenic for Neurofibromatosis, type 1; Neurofibromatosis, familial spinal; Café-au-lait macules with pulmonary stenosis; Neurofibromatosis-Noonan syndrome; Juvenile myelomonocytic leukemia. Last evaluated: 2022-04-23. Review status: criteria provided, single submitter. Criteria: ACMG Guidelines, 2015. Collection method: clinical testing. Allele origin: unknown.

Department of Pathology and Laboratory Medicine, Sinai Health System
Classification: Likely pathogenic for neurofibromatosis type 1. Review status: criteria provided, single submitter. Criteria: ACMG Guidelines, 2015. Collection method: clinical testing. Allele origin: germline.

Juno Genomics, Hangzhou Juno Genomics, Inc
Classification: Likely pathogenic for Neurofibromatosis, type 1. Review status: criteria provided, single submitter. Criteria: ACMG Guidelines, 2015. Collection method: clinical testing. Allele origin: germline. Affected: yes.
Comment: Absent from controls (or at extremely low frequency if recessive) in Genome Aggregation Database, Exome Sequencing Project, 1000 Genomes Project, or Exome Aggregation Consortium.;The prevalence of the variant in affected individuals is significantly increased compared to the prevalence in controls.;Co-segregation with disease in multiple affected family members in a gene definitively known to cause the disease.;Patient's phenotype or family history is highly specific for a disease with a single genetic etiology.;Well-established in vitro or in vivo functional studies supportive of a damaging effect on the gene or gene product.

Literature cited by the submitters: PubMed 12807981 (cited by Ambry Genetics and Labcorp Genetics (formerly Invitae), Labcorp); PubMed 18546366 (cited by Ambry Genetics and Labcorp Genetics (formerly Invitae), Labcorp); PubMed 19241459 (cited by Ambry Genetics and Labcorp Genetics (formerly Invitae), Labcorp); PubMed 37186028 (cited by Ambry Genetics).